The following is an entry in ClinVar:

NM_001257096.2(PAX1):c.338G>A (p.Arg113His)

Gene: PAX1 (paired box 1; plus strand). Cytogenetic location: 20p11.22.
Variant type: single nucleotide variant.
Coding change: c.338G>A on transcript NM_001257096.2 (MANE Select); coding-DNA position 338, G replaced by A.
Protein change: p.Arg113His; replaces arginine 113 with histidine.
Molecular consequence: missense variant.
Genome position (GRCh38, 1-based): chr20:21,706,489, G>A. VCF-style: chr20-21706489-G-A. GRCh37 (hg19) VCF-style: chr20-21687127-G-A.
Other names: c.338G>A, p.Arg113His (NM_006192.5); short protein forms R113H.
Identifiers: ClinVar variation 1060477 (VCV001060477.9), dbSNP rs778651016, ClinGen allele CA9786481.
Genomic context (GRCh38, chr20:21,706,489, plus strand): 5'-CATCCGCAGAGCAGACGTATGGCGAGGTGAACCAGCTGGGCGGTGTGTTCGTCAACGGCC[G>A]CCCCCTGCCCAACGCCATCCGCTTGCGCATTGTGGAGCTGGCGCAGCTGGGCATCCGACC-3'
Protein context (NP_001244025.1, residues 103-123): NQLGGVFVNG[Arg113His]PLPNAIRLRI

ClinVar aggregate classification (germline): Uncertain significance (1 of 4 stars; one submission).

Allele frequency attached by ClinVar (database versions not stated): gnomAD exomes below 0.00001; TOPMed below 0.00001; ExAC 0.00001; gnomAD 0.00001.

Submission:

Labcorp Genetics (formerly Invitae), Labcorp
Classification: Uncertain significance. Last evaluated: 2024-11-11. Review status: criteria provided, single submitter. Criteria: Invitae Variant Classification Sherloc (09022015). Collection method: clinical testing. Allele origin: germline.
Comment: This sequence change replaces arginine, which is basic and polar, with histidine, which is basic and polar, at codon 113 of the PAX1 protein (p.Arg113His). The frequency data for this variant in the population databases is considered unreliable, as metrics indicate poor data quality at this position in the gnomAD database. This variant has not been reported in the literature in individuals affected with PAX1-related conditions. ClinVar contains an entry for this variant (Variation ID: 1060477). Invitae Evidence Modeling of protein sequence and biophysical properties (such as structural, functional, and spatial information, amino acid conservation, physicochemical variation, residue mobility, and thermodynamic stability) indicates that this missense variant is not expected to disrupt PAX1 protein function with a negative predictive value of 80%. In summary, the available evidence is currently insufficient to determine the role of this variant in disease. Therefore, it has been classified as a Variant of Uncertain Significance.